The following is an entry in ClinVar:

NM_014244.5(ADAMTS2):c.1137T>A (p.Tyr379Ter)

Gene: ADAMTS2 (ADAM metallopeptidase with thrombospondin type 1 motif 2; minus strand). Cytogenetic location: 5q35.3.
Variant type: single nucleotide variant.
Coding change: c.1137T>A on transcript NM_014244.5 (MANE Select); coding-DNA position 1137, T replaced by A.
Protein change: p.Tyr379Ter; replaces tyrosine 379 with a stop codon.
Molecular consequence: nonsense.
Genome position (GRCh38, 1-based): chr5:179,154,915, A>T on the plus strand (T>A on the coding strand, the complement: ADAMTS2 is on the minus strand). VCF-style: chr5-179154915-A-T. GRCh37 (hg19) VCF-style: chr5-178581916-A-T.
Other names: c.1137T>A, p.Tyr379Ter (NM_021599.4); short protein forms Y379*.
Identifiers: ClinVar variation 1725797 (VCV001725797.2), dbSNP rs754157433, ClinGen allele CA362435180.
Genomic context (GRCh38, chr5:179,154,915, plus strand): 5'-GCCGTCCTCATGGTTCAGGGTGCAGCTGCGGACCGGATGGCACATGCCGGTGACAGGAGC[A>T]TAGCCTGGGAGGAGACAAGAGGCGGCTCCAGATGCTGCCATAGCCTGGCCGGGAAGGTGA-3'

ClinVar aggregate classification (germline): Likely pathogenic (1 of 4 stars; one submission).

Conditions:
Ehlers-Danlos syndrome, dermatosparaxis type. Also called: Dermatosparaxis; EDS VIIC; Ehlers-Danlos syndrome, type VII, autosomal recessive. Identifiers: Orphanet 1901, MedGen C2700425, MONDO:0009161, OMIM 225410.

Submission:

Myriad Genetics, Inc.
Classification: Likely pathogenic for Ehlers-Danlos syndrome, dermatosparaxis type. Last evaluated: 2022-04-01. Review status: criteria provided, single submitter. Criteria: Myriad Women's Health Autosomal Recessive and X-Linked Classification Criteria (2021). Collection method: clinical testing. Allele origin: unknown.
Comment: NM_014244.4(ADAMTS2):c.1137T>A(Y379*) is expected to be pathogenic in the context of Ehlers-Danlos syndrome type VIIC. This variant is predicted to lead to an abnormal or absent protein product due to the creation of a premature termination codon in ADAMTS2, a gene where loss-of-function variants are known to be pathogenic. Please note: this variant was assessed in the context of healthy population screening.